The following is an entry in ClinVar:

NM_017780.4(CHD7):c.6185G>A (p.Arg2062Gln)

Gene: CHD7 (chromodomain helicase DNA binding protein 7; plus strand). Cytogenetic location: 8q12.2.
Variant type: single nucleotide variant.
Coding change: c.6185G>A on transcript NM_017780.4 (MANE Select); coding-DNA position 6185, G replaced by A.
Protein change: p.Arg2062Gln; replaces arginine 2062 with glutamine.
Molecular consequence: missense variant. On other transcripts: intron variant (1).
Genome position (GRCh38, 1-based): chr8:60,852,910, G>A. VCF-style: chr8-60852910-G-A. GRCh37 (hg19) VCF-style: chr8-61765469-G-A.
Other names: c.1717-9319G>A (NM_001316690.1); short protein forms R2062Q.
Identifiers: ClinVar variation 2169327 (VCV002169327.4), dbSNP rs762055675, ClinGen allele CA4760545.
Genomic context (GRCh38, chr8:60,852,910, plus strand): 5'-TAATTGAGCCGATCACAGAGGAGCGAGCCTCTCGAACTCTGTACCGCATTGAGCTGCTAC[G>A]GAAGATCCGCGAGCAGGTTCTCCATCACCCCCAGCTGGGAGAGAGGCTTAAGCTCTGCCA-3'
Protein context (NP_060250.2, residues 2052-2072): SRTLYRIELL[Arg2062Gln]KIREQVLHHP

ClinVar aggregate classification (germline): Uncertain significance (1 of 4 stars; one submission).

Conditions:
CHARGE syndrome (CHARGE). Also called: Hittner Hirsch Kreh syndrome; CHARGE ASSOCIATION--COLOBOMA, HEART ANOMALY, CHOANAL ATRESIA, RETARDATION, GENITAL AND EAR ANOMALIES; Coloboma, heart anomaly, choanal atresia, retardation, genital and ear anomalies; CHARGE association; Hall-Hittner syndrome. Identifiers: Orphanet 138, MedGen C0265354, MONDO:0008965.

Allele frequency attached by ClinVar (database versions not stated): gnomAD exomes 0.00001; ExAC 0.00002; gnomAD 0.00002.
gnomAD v4.1: 11 of 1,613,876 alleles (0.00068%); highest among the groups gnomAD compares: Admixed American, 0.0033%; no homozygotes.

Submission:

Labcorp Genetics (formerly Invitae), Labcorp
Classification: Uncertain significance for CHARGE syndrome. Last evaluated: 2025-02-15. Review status: criteria provided, single submitter. Criteria: Invitae Variant Classification Sherloc (09022015). Collection method: clinical testing. Allele origin: germline.
Comment: This sequence change replaces arginine, which is basic and polar, with glutamine, which is neutral and polar, at codon 2062 of the CHD7 protein (p.Arg2062Gln). The frequency data for this variant in the population databases is considered unreliable, as metrics indicate poor data quality at this position in the gnomAD database. This missense change has been observed in individual(s) with clinical features of Kallman syndrome (internal data). ClinVar contains an entry for this variant (Variation ID: 2169327). Invitae Evidence Modeling of protein sequence and biophysical properties (such as structural, functional, and spatial information, amino acid conservation, physicochemical variation, residue mobility, and thermodynamic stability) has been performed for this missense variant. However, the output from this modeling did not meet the statistical confidence thresholds required to predict the impact of this variant on CHD7 protein function. In summary, the available evidence is currently insufficient to determine the role of this variant in disease. Therefore, it has been classified as a Variant of Uncertain Significance.